The following is an entry in ClinVar:

NM_002439.5(MSH3):c.2363A>G (p.Asn788Ser)

Gene: MSH3 (mutS homolog 3; plus strand). Cytogenetic location: 5q14.1.
Variant type: single nucleotide variant.
Coding change: c.2363A>G on transcript NM_002439.5 (MANE Select); coding-DNA position 2363, A replaced by G.
Protein change: p.Asn788Ser; replaces asparagine 788 with serine.
Molecular consequence: missense variant.
Genome position (GRCh38, 1-based): chr5:80,778,764, A>G. VCF-style: chr5-80778764-A-G. GRCh37 (hg19) VCF-style: chr5-80074583-A-G.
Other names: short protein forms N788S.
Identifiers: ClinVar variation 3664782 (VCV003664782.2).

ClinVar aggregate classification (germline): Uncertain significance (1 of 4 stars; one submission).

Submission:

Labcorp Genetics (formerly Invitae), Labcorp
Classification: Uncertain significance. Last evaluated: 2024-09-06. Review status: criteria provided, single submitter. Criteria: Invitae Variant Classification Sherloc (09022015). Collection method: clinical testing. Allele origin: germline.
Comment: This sequence change replaces asparagine, which is neutral and polar, with serine, which is neutral and polar, at codon 788 of the MSH3 protein (p.Asn788Ser). This variant is not present in population databases (gnomAD no frequency). This variant has not been reported in the literature in individuals affected with MSH3-related conditions. An algorithm developed to predict the effect of missense changes on protein structure and function outputs the following: PolyPhen-2: "Benign". The serine amino acid residue is found in multiple mammalian species, which suggests that this missense change does not adversely affect protein function. In summary, the available evidence is currently insufficient to determine the role of this variant in disease. Therefore, it has been classified as a Variant of Uncertain Significance.